The following is an entry in ClinVar:

NM_000038.6(APC):c.1524G>T (p.Leu508Phe)

Gene: APC (APC regulator of Wnt signaling pathway; plus strand). Cytogenetic location: 5q22.2.
Variant type: single nucleotide variant.
Coding change: c.1524G>T on transcript NM_000038.6 (MANE Select); coding-DNA position 1524, G replaced by T.
Protein change: p.Leu508Phe; replaces leucine 508 with phenylalanine.
Molecular consequence: missense variant.
Genome position (GRCh38, 1-based): chr5:112,827,223, G>T. VCF-style: chr5-112827223-G-T. GRCh37 (hg19) VCF-style: chr5-112162920-G-T.
Other names: c.1524G>T, p.Leu508Phe (NM_001127510.3, NM_001354895.2); c.1470G>T, p.Leu490Phe (NM_001127511.3); c.1578G>T, p.Leu526Phe (NM_001354896.2); c.1554G>T, p.Leu518Phe (NM_001354897.2); c.1449G>T, p.Leu483Phe (NM_001354898.2); c.1440G>T, p.Leu480Phe (NM_001354899.2); c.1401G>T, p.Leu467Phe (NM_001354900.2); c.1347G>T, p.Leu449Phe (NM_001354901.2); and 5 more; short protein forms L225F, L382F, L480F, L348F, L526F, L417F, L467F, L483F.
Identifiers: ClinVar variation 819450 (VCV000819450.14), dbSNP rs1561554327, ClinGen allele CA16024639.

ClinVar aggregate classification (germline): Uncertain significance. Review status: criteria provided, multiple submitters, no conflicts (2 of 4 stars). 2 submissions from 2 submitters: Uncertain significance (2). Last evaluated 2020-08-01.

Conditions:
Hereditary cancer-predisposing syndrome. Also called: Tumor predisposition; Hereditary neoplastic syndrome; Neoplastic Syndromes, Hereditary; Hereditary Cancer Syndrome. Identifiers: Orphanet 140162, MedGen C0027672, MeSH D009386, MONDO:0015356.
Familial adenomatous polyposis 1 (FAP1). Also called: FAMILIAL ADENOMATOUS POLYPOSIS 1, ATTENUATED; POLYPOSIS, ADENOMATOUS INTESTINAL. Identifiers: MedGen C2713442, MONDO:0021056, OMIM 175100. Disease mechanism: loss of function.

Submissions (2):

Labcorp Genetics (formerly Invitae), Labcorp
Classification: Uncertain significance for Familial adenomatous polyposis 1. Last evaluated: 2020-08-01. Review status: criteria provided, single submitter. Criteria: Invitae Variant Classification Sherloc (09022015). Collection method: clinical testing. Allele origin: germline.
Comment: In summary, the available evidence is currently insufficient to determine the role of this variant in disease. Therefore, it has been classified as a Variant of Uncertain Significance. Algorithms developed to predict the effect of missense changes on protein structure and function are either unavailable or do not agree on the potential impact of this missense change (SIFT: "Deleterious"; PolyPhen-2: "Probably Damaging"; Align-GVGD: "Class C15"). This variant has not been reported in the literature in individuals with APC-related conditions. ClinVar contains an entry for this variant (Variation ID: 819450). This variant is not present in population databases (ExAC no frequency). This sequence change replaces leucine with phenylalanine at codon 508 of the APC protein (p.Leu508Phe). The leucine residue is highly conserved and there is a small physicochemical difference between leucine and phenylalanine.

Ambry Genetics
Classification: Uncertain significance for Hereditary cancer-predisposing syndrome. Last evaluated: 2019-09-13. Review status: criteria provided, single submitter. Criteria: Ambry Variant Classification Scheme 2023. Collection method: clinical testing. Allele origin: germline.
Comment: The p.L508F variant (also known as c.1524G>T), located in coding exon 11 of the APC gene, results from a G to T substitution at nucleotide position 1524. The leucine at codon 508 is replaced by phenylalanine, an amino acid with highly similar properties. This amino acid position is highly conserved in available vertebrate species. In addition, in silico predictors for this gene do not accurately predict pathogenicity. Since supporting evidence is limited at this time, the clinical significance of this alteration remains unclear.